The following is an entry in ClinVar:

ClinVar aggregate classification (germline): Uncertain significance. Review status: criteria provided, multiple submitters, no conflicts (2 of 4 stars). 2 submissions from 2 submitters: Uncertain significance (2). Last evaluated 2025-11-17.

Conditions:
Inborn genetic diseases. Identifiers: MedGen C0950123, MeSH D030342.

Allele frequency attached by ClinVar (database versions not stated): gnomAD exomes below 0.00001; ExAC 0.00001.
gnomAD v4.1: 2 of 1,614,196 alleles (0.00012%); highest among the groups gnomAD compares: Non-Finnish European, 0.00017%; no homozygotes.

Submissions (2):

Ambry Genetics
Classification: Uncertain significance for Inborn genetic diseases. Last evaluated: 2025-11-17. Review status: criteria provided, single submitter. Criteria: Ambry Variant Classification Scheme 2023. Collection method: clinical testing. Allele origin: germline.
Comment: The p.E195K variant (also known as c.583G>A), located in coding exon 5 of the USB1 gene, results from a G to A substitution at nucleotide position 583. The glutamic acid at codon 195 is replaced by lysine, an amino acid with similar properties. This amino acid position is conserved. In addition, the in silico prediction for this alteration is inconclusive. Based on the available evidence, the clinical significance of this variant remains unclear.

Labcorp Genetics (formerly Invitae), Labcorp
Classification: Uncertain significance. Last evaluated: 2023-10-03. Review status: criteria provided, single submitter. Criteria: Invitae Variant Classification Sherloc (09022015). Collection method: clinical testing. Allele origin: germline.
Comment: This sequence change replaces glutamic acid, which is acidic and polar, with lysine, which is basic and polar, at codon 195 of the USB1 protein (p.Glu195Lys). This variant is present in population databases (rs766156595, gnomAD 0.003%). This variant has not been reported in the literature in individuals affected with USB1-related conditions. Advanced modeling of protein sequence and biophysical properties (such as structural, functional, and spatial information, amino acid conservation, physicochemical variation, residue mobility, and thermodynamic stability) has been performed at Invitae for this missense variant, however the output from this modeling did not meet the statistical confidence thresholds required to predict the impact of this variant on USB1 protein function. In summary, the available evidence is currently insufficient to determine the role of this variant in disease. Therefore, it has been classified as a Variant of Uncertain Significance.

NM_024598.4(USB1):c.583G>A (p.Glu195Lys)

Gene: USB1 (U6 snRNA biogenesis phosphodiesterase 1; plus strand). Cytogenetic location: 16q21.
Variant type: single nucleotide variant.
Coding change: c.583G>A on transcript NM_024598.4 (MANE Select); coding-DNA position 583, G replaced by A.
Protein change: p.Glu195Lys; replaces glutamic acid 195 with lysine.
Molecular consequence: missense variant.
Genome position (GRCh38, 1-based): chr16:58,017,413, G>A. VCF-style: chr16-58017413-G-A. GRCh37 (hg19) VCF-style: chr16-58051317-G-A.
Other names: c.529G>A, p.Glu177Lys (NM_001195302.2); c.430G>A, p.Glu144Lys (NM_001330568.2); short protein forms E144K, E195K, E177K.
Identifiers: ClinVar variation 2896891 (VCV002896891.4), dbSNP rs766156595, ClinGen allele CA8084975.